The following is an entry in ClinVar:

NM_001282531.3(ADNP):c.2561C>T (p.Ser854Phe)

Gene: ADNP (activity dependent neuroprotector homeobox; minus strand). Cytogenetic location: 20q13.13.
Variant type: single nucleotide variant.
Coding change: c.2561C>T on transcript NM_001282531.3 (MANE Select); coding-DNA position 2561, C replaced by T.
Protein change: p.Ser854Phe; replaces serine 854 with phenylalanine.
Molecular consequence: missense variant.
Genome position (GRCh38, 1-based): chr20:50,892,153, G>A on the plus strand (C>T on the coding strand, the complement: ADNP is on the minus strand). VCF-style: chr20-50892153-G-A. GRCh37 (hg19) VCF-style: chr20-49508690-G-A.
Other names: c.2561C>T, p.Ser854Phe (NM_001282532.2, NM_001347511.2, NM_015339.5 and 1 more transcripts); short protein forms S854F.
Identifiers: ClinVar variation 1200985 (VCV001200985.13), dbSNP rs376827094, ClinGen allele CA9908573.
Genomic context (GRCh38, chr20:50,892,153, plus strand): 5'-CTGTCATCTTCCTTCCCAAGGTTGAGCTTTTTGTCAGCAGTCTTACTAGCATTGACTCTG[G>A]AATCCTTCTCATCATGATTTTCAAATAGCCACTCAGCATCAAAATCCATCTCATGCTTGA-3'
Protein context (NP_001269460.1, residues 844-864): WLFENHDEKD[Ser854Phe]RVNASKTADK

ClinVar aggregate classification (germline): Conflicting classifications of pathogenicity. Review status: criteria provided, conflicting classifications (1 of 4 stars). 4 submissions from 4 submitters: Uncertain significance (2); Likely benign (2). Last evaluated 2025-09-11.

Conditions:
ADNP-related multiple congenital anomalies - intellectual disability - autism spectrum disorder. Also called: Helsmoortel-Van der Aa Syndrome; ADNP-Related Helsmoortel-Van der Aa Syndrome. Identifiers: Orphanet 404448, MedGen C4014538, MONDO:0014379, OMIM 615873. Disease mechanism: loss of function.
Inborn genetic diseases. Identifiers: MedGen C0950123, MeSH D030342.

Allele frequency attached by ClinVar (database versions not stated): gnomAD exomes 0.00004; ExAC 0.00010; gnomAD 0.00018 and 0.00021; TOPMed 0.00022; ESP Exome Variant Server 0.00031; 1000 Genomes Project 0.00040; 1000 Genomes Project 30x 0.00047.
gnomAD v4.1: 43 of 1,614,040 alleles (0.0027%); highest among the groups gnomAD compares: African/African-American, 0.053%; no homozygotes.

Submissions (4):

Ambry Genetics
Classification: Likely benign for Inborn genetic diseases. Last evaluated: 2025-09-11. Review status: criteria provided, single submitter. Criteria: Ambry Variant Classification Scheme 2023. Collection method: clinical testing. Allele origin: germline.

Labcorp Genetics (formerly Invitae), Labcorp
Classification: Uncertain significance. Last evaluated: 2025-05-30. Review status: criteria provided, single submitter. Criteria: Invitae Variant Classification Sherloc (09022015). Collection method: clinical testing. Allele origin: germline.
Comment: This sequence change replaces serine, which is neutral and polar, with phenylalanine, which is neutral and non-polar, at codon 854 of the ADNP protein (p.Ser854Phe). This variant is present in population databases (rs376827094, gnomAD 0.06%), and has an allele count higher than expected for a pathogenic variant. This variant has not been reported in the literature in individuals affected with ADNP-related conditions. ClinVar contains an entry for this variant (Variation ID: 1200985). An algorithm developed to predict the effect of missense changes on protein structure and function (PolyPhen-2) suggests that this variant is likely to be disruptive. In summary, the available evidence is currently insufficient to determine the role of this variant in disease. Therefore, it has been classified as a Variant of Uncertain Significance.

GeneDx
Classification: Likely benign. Last evaluated: 2021-01-04. Review status: criteria provided, single submitter. Criteria: GeneDx Variant Classification Process June 2021. Collection method: clinical testing. Allele origin: germline. Affected: yes.

Revvity Omics, Revvity
Classification: Uncertain significance for ADNP-related multiple congenital anomalies - intellectual disability - autism spectrum disorder. Last evaluated: 2020-04-18. Review status: criteria provided, single submitter. Criteria: ACMG Guidelines, 2015. Collection method: clinical testing. Allele origin: germline.